The following is an entry in ClinVar:

NM_006947.4(SRP72):c.1175C>T (p.Ala392Val)

Gene: SRP72 (signal recognition particle 72; plus strand). Cytogenetic location: 4q12.
Variant type: single nucleotide variant.
Coding change: c.1175C>T on transcript NM_006947.4 (MANE Select); coding-DNA position 1175, C replaced by T.
Protein change: p.Ala392Val; replaces alanine 392 with valine.
Molecular consequence: missense variant. On other transcripts: non-coding transcript variant (1).
Genome position (GRCh38, 1-based): chr4:56,487,964, C>T. VCF-style: chr4-56487964-C-T. GRCh37 (hg19) VCF-style: chr4-57354130-C-T.
Other names: c.992C>T, p.Ala331Val (NM_001267722.2); short protein forms A331V, A392V.
Identifiers: ClinVar variation 3370793 (VCV003370793.3).
Genomic context (GRCh38, chr4:56,487,964, plus strand): 5'-ATATGTGTTCTTCTATGTAATGCTGATTTTGTTTATTCTCCTAAGGTAATATTTCTAAAG[C>T]ATGTCTAATATTGAGAAGCATAGAGGAGTTAAAGCATAAACCAGGCATGGTGAGTTTTAA-3'
Protein context (NP_008878.3, residues 382-402): LKISQGNISK[Ala392Val]CLILRSIEEL

ClinVar aggregate classification (germline): Uncertain significance. Review status: criteria provided, multiple submitters, no conflicts (2 of 4 stars). 3 submissions from 3 submitters: Uncertain significance (3). Last evaluated 2025-10-19.

gnomAD v4.1: 1 of 1,599,406 alleles (0.000063%); highest among the groups gnomAD compares: East Asian, 0.0023%; no homozygotes.

Submissions (3):

Ambry Genetics
Classification: Uncertain significance. Last evaluated: 2025-10-19. Review status: criteria provided, single submitter. Criteria: Ambry Variant Classification Scheme 2023. Collection method: clinical testing. Allele origin: germline.
Comment: The p.A392V variant (also known as c.1175C>T), located in coding exon 12 of the SRP72 gene, results from a C to T substitution at nucleotide position 1175. The alanine at codon 392 is replaced by valine, an amino acid with similar properties. This amino acid position is conserved. In addition, this alteration is predicted to be deleterious by in silico analysis. Based on the available evidence, the clinical significance of this variant remains unclear.

GeneDx
Classification: Uncertain significance. Last evaluated: 2024-03-15. Review status: criteria provided, single submitter. Criteria: GeneDx Variant Classification Process June 2021. Collection method: clinical testing. Allele origin: germline. Affected: yes.
Comment: Not observed at significant frequency in large population cohorts (gnomAD); In silico analysis supports that this missense variant has a deleterious effect on protein structure/function; Has not been previously published as pathogenic or benign to our knowledge

Blueprint Genetics
Classification: Uncertain significance. Last evaluated: 2023-11-27. Review status: criteria provided, single submitter. Criteria: ACMG Guidelines, 2015. Collection method: clinical testing. Allele origin: germline.